The following is an entry in ClinVar:

ClinVar aggregate classification (germline): Uncertain significance (1 of 4 stars; one submission).

Conditions:
Arrhythmogenic right ventricular dysplasia 10. Also called: Arrhythmogenic Right Ventricular Dysplasia/Cardiomyopathy10; ARRHYTHMOGENIC RIGHT VENTRICULAR DYSPLASIA, FAMILIAL, 10; Arrhythmogenic right ventricular dysplasia/cardiomyopathy, type 10. Identifiers: MedGen C1857777, MONDO:0012434, OMIM 610193.

Submission:

Labcorp Genetics (formerly Invitae), Labcorp
Classification: Uncertain significance for Arrhythmogenic right ventricular dysplasia 10. Last evaluated: 2024-12-22. Review status: criteria provided, single submitter. Criteria: Invitae Variant Classification Sherloc (09022015). Collection method: clinical testing. Allele origin: germline.
Comment: This sequence change replaces valine, which is neutral and non-polar, with alanine, which is neutral and non-polar, at codon 113 of the DSG2 protein (p.Val113Ala). This variant is not present in population databases (gnomAD no frequency). This missense change has been observed in individual(s) with clinical features of DSG2-related conditions (PMID: 30524916). This variant is also known as pVal1113Ala. Invitae Evidence Modeling of protein sequence and biophysical properties (such as structural, functional, and spatial information, amino acid conservation, physicochemical variation, residue mobility, and thermodynamic stability) indicates that this missense variant is not expected to disrupt DSG2 protein function with a negative predictive value of 95%. In summary, the available evidence is currently insufficient to determine the role of this variant in disease. Therefore, it has been classified as a Variant of Uncertain Significance.

Literature cited by the submitters: PubMed 30524916.

NM_001943.5(DSG2):c.338T>C (p.Val113Ala)

Gene: DSG2 (desmoglein 2; plus strand). Cytogenetic location: 18q12.1.
Variant type: single nucleotide variant.
Coding change: c.338T>C on transcript NM_001943.5 (MANE Select); coding-DNA position 338, T replaced by C.
Protein change: p.Val113Ala; replaces valine 113 with alanine.
Molecular consequence: missense variant.
Genome position (GRCh38, 1-based): chr18:31,520,924, T>C. VCF-style: chr18-31520924-T-C. GRCh37 (hg19) VCF-style: chr18-29100887-T-C.
Other names: short protein forms V113A.
Identifiers: ClinVar variation 3706406 (VCV003706406.2).